The following is an entry in ClinVar:

ClinVar aggregate classification (germline): Likely benign (1 of 4 stars; one submission).

Conditions:
AK9-related condition.

gnomAD v4.1: 57 of 1,613,988 alleles (0.0035%); highest among the groups gnomAD compares: East Asian, 0.1%; no homozygotes.

Submissions (2):

PreventionGenetics, part of Exact Sciences
Classification: Likely benign for AK9-related condition. Last evaluated: 2026-02-06. Review status: criteria provided, single submitter. Criteria: ACMG Guidelines, 2015. Collection method: clinical testing. Allele origin: germline.
Comment: This variant is classified as likely benign based on ACMG/AMP sequence variant interpretation guidelines (Richards et al. 2015 PMID: 25741868, with internal and published modifications).

Dr. Peter K. Rogan Lab, Western University
No classification provided (evidence only). Condition: Thyroid cancer, nonmedullary, 1. Review status: no classification provided. Collection method: in vitro. Allele origin: not applicable. Functional consequence: retained intron. Not counted in ClinVar's aggregate classification.

NM_001145128.3(AK9):c.289C>G (p.Leu97Val)

Gene: AK9 (adenylate kinase 9; minus strand). Cytogenetic location: 6q21.
Variant type: single nucleotide variant.
Coding change: c.289C>G on transcript NM_001145128.3 (MANE Select); coding-DNA position 289, C replaced by G.
Protein change: p.Leu97Val; replaces leucine 97 with valine.
Molecular consequence: missense variant. On other transcripts: non-coding transcript variant (1).
Genome position (GRCh38, 1-based): chr6:109,671,961, G>C on the plus strand (C>G on the coding strand, the complement: AK9 is on the minus strand). VCF-style: chr6-109671961-G-C. GRCh37 (hg19) VCF-style: chr6-109993164-G-C.
Other names: NC_000006.11:g.109993164G>C; c.289C>G, p.Leu97Val (NM_001329602.2, NM_145025.5); c.505C>G, p.Leu169Val (NM_001329603.2); c.289C>G (NM_001145128.2); short protein forms L169V, L97V.
Identifiers: ClinVar variation 4320013 (VCV004320013.2).